The following is an entry in ClinVar:

ClinVar aggregate classification (germline): Uncertain significance (1 of 4 stars; one submission).

Conditions:
Epidermolysis bullosa simplex 3, localized or generalized intermediate, with BP230 deficiency (EBS3). Also called: Epidermolysis bullosa simplex due to BP230 deficiency; Epidermolysis bullosa simplex, autosomal recessive 2. Identifiers: Orphanet 412181, MedGen C3809470, MONDO:0014180, OMIM 615425.
Hereditary sensory and autonomic neuropathy type 6. Also called: Neuropathy, hereditary sensory and autonomic, type VI; HSAN VI. Identifiers: Orphanet 314381, MedGen C3539003, MONDO:0013839, OMIM 614653.

Allele frequency attached by ClinVar (database versions not stated): gnomAD 0.00001; gnomAD exomes 0.00001; ExAC 0.00002; 1000 Genomes Project 0.00020; 1000 Genomes Project 30x 0.00031.
gnomAD v4.1: 8 of 1,569,128 alleles (0.00051%); highest among the groups gnomAD compares: South Asian, 0.0035%; no homozygotes.

Submission:

Labcorp Genetics (formerly Invitae), Labcorp
Classification: Uncertain significance for Epidermolysis bullosa simplex 3, localized or generalized intermediate, with BP230 deficiency; Hereditary sensory and autonomic neuropathy type 6. Last evaluated: 2022-07-08. Review status: criteria provided, single submitter. Criteria: Invitae Variant Classification Sherloc (09022015). Collection method: clinical testing. Allele origin: germline.
Comment: The DST gene has multiple clinically relevant transcripts. This variant occurs in alternate transcript NM_015548.4, and corresponds to NM_001723.5: c.*36564G>A in the primary transcript. This sequence change falls in intron 30 of the DST gene. It does not directly change the encoded amino acid sequence of the DST protein. This variant is present in population databases (rs562209122, gnomAD 0.004%). This variant has not been reported in the literature in individuals affected with DST-related conditions. Experimental studies and prediction algorithms are not available or were not evaluated, and the effect of this variant on mRNA splicing is currently unknown. In summary, the available evidence is currently insufficient to determine the role of this variant in disease. Therefore, it has been classified as a Variant of Uncertain Significance.

NM_001374736.1(DST):c.12904-16G>A

Gene: DST (dystonin; minus strand). Cytogenetic location: 6p12.1.
Variant type: single nucleotide variant.
Coding change: c.12904-16G>A on transcript NM_001374736.1 (MANE Select); 16 bases into the intron before coding-DNA position 12904, G replaced by A.
Molecular consequence: intron variant.
Genome position (GRCh38, 1-based): chr6:56,578,953, C>T on the plus strand (G>A on the coding strand, the complement: DST is on the minus strand). VCF-style: chr6-56578953-C-T. GRCh37 (hg19) VCF-style: chr6-56443751-C-T.
Other names: c.6547-16G>A (NM_001144769.5); c.12904-16G>A (NM_001374722.1); c.12931-16G>A (NM_001374734.1); c.6133-16G>A (NM_001144770.2); c.6013-16G>A (NM_001374730.1, NM_001386100.1, NM_183380.4); c.12271-16G>A (NM_001374729.1); c.5035-16G>A (NM_015548.5).
Identifiers: ClinVar variation 2184612 (VCV002184612.4), dbSNP rs562209122, ClinGen allele CA3868342.